The following is an entry in ClinVar:

NM_001242896.3(DEPDC5):c.907del (p.Gln303fs)

Gene: DEPDC5 (DEP domain containing 5, GATOR1 subcomplex subunit; plus strand). Cytogenetic location: 22q12.2.
Variant type: Deletion.
Coding change: c.907del on transcript NM_001242896.3 (MANE Select); coding-DNA position 907, one base deleted (C; older notation c.907delC).
Protein change: p.Gln303fs; shifts the reading frame from glutamine 303.
Molecular consequence: frameshift variant. On other transcripts: non-coding transcript variant (5).
Genome position (GRCh38, 1-based): chr22:31,798,617, C deleted. VCF-style (leftmost placement, unchanged base first): chr22-31798616-AC-A. GRCh37 (hg19) VCF-style: chr22-32194602-AC-A.
Other names: c.907del, p.Gln303fs (NM_001007188.4, NM_001136029.4, NM_001242897.2 and 7 more transcripts); c.823del, p.Gln275fs (NM_001369901.1, NM_001369902.1); short protein forms Q275fs, Q303fs.
Identifiers: ClinVar variation 2093107 (VCV002093107.4), dbSNP rs2518768537, ClinGen allele CA2580099622.

ClinVar aggregate classification (germline): Pathogenic (1 of 4 stars; one submission).

Conditions:
Familial focal epilepsy with variable foci (FPEVF). Identifiers: Orphanet 98820, MedGen C1858477, MONDO:0020310.

Submission:

Labcorp Genetics (formerly Invitae), Labcorp
Classification: Pathogenic for Familial focal epilepsy with variable foci. Last evaluated: 2022-07-12. Review status: criteria provided, single submitter. Criteria: Invitae Variant Classification Sherloc (09022015). Collection method: clinical testing. Allele origin: germline.
Comment: For these reasons, this variant has been classified as Pathogenic. This variant has not been reported in the literature in individuals affected with DEPDC5-related conditions. This variant is not present in population databases (gnomAD no frequency). This sequence change creates a premature translational stop signal (p.Gln303Lysfs*33) in the DEPDC5 gene. It is expected to result in an absent or disrupted protein product. Loss-of-function variants in DEPDC5 are known to be pathogenic (PMID: 23542697, 23542701).

Literature cited by the submitters: PubMed 23542697; PubMed 23542701.